The following is an entry in ClinVar:

ClinVar aggregate classification (germline): Uncertain significance (1 of 4 stars; one submission).

Conditions:
Asphyxiating thoracic dystrophy 3. Also called: SHORT-RIB THORACIC DYSPLASIA 3 WITH OR WITHOUT POLYDACTYLY; POLYDACTYLY WITH NEONATAL CHONDRODYSTROPHY, TYPE I; SHORT-RIB THORACIC DYSPLASIA 3/6 WITH POLYDACTYLY, DIGENIC; Short rib polydactyly syndrome 2B; Saldino-Noonan Syndrome. Identifiers: Orphanet 474, Orphanet 93269, Orphanet 93270, Orphanet 93271, MedGen C0036069, MONDO:0013127, OMIM 613091.

Allele frequency attached by ClinVar (database versions not stated): gnomAD exomes below 0.00001.
gnomAD v4.1: 1 of 1,602,826 alleles (0.000062%); highest among the groups gnomAD compares: Non-Finnish European, 0.000085%; no homozygotes.

Submission:

MVZ Medizinische Genetik Mainz
Classification: Uncertain significance for Asphyxiating thoracic dystrophy 3. Last evaluated: 2021-11-17. Review status: criteria provided, single submitter. Criteria: UK Practice Guidelines For Variant Classification V4 01 2020. Collection method: clinical testing. Allele origin: germline. Inheritance: Autosomal recessive inheritance. Affected: yes. Observed: 1 variant allele.
Comment: PM2_SUP, PM3_SUP, PP3, PP4 (ACMG Version 3)

NM_001377.3(DYNC2H1):c.4378+3A>G

Gene: DYNC2H1 (dynein cytoplasmic 2 heavy chain 1; plus strand). Cytogenetic location: 11q22.3.
Variant type: single nucleotide variant.
Coding change: c.4378+3A>G on transcript NM_001377.3 (MANE Select); 3 bases into the intron after coding-DNA position 4378, A replaced by G.
Molecular consequence: intron variant.
Genome position (GRCh38, 1-based): chr11:103,159,030, A>G. VCF-style: chr11-103159030-A-G. GRCh37 (hg19) VCF-style: chr11-103029759-A-G.
Other names: c.4378+3A>G (NM_001080463.2).
Identifiers: ClinVar variation 3061880 (VCV003061880.1), dbSNP rs1860966396, ClinGen allele CA1996407861.